The following is an entry in ClinVar:

NM_004946.3(DOCK2):c.4728+6G>T

Gene: DOCK2 (dedicator of cytokinesis 2; plus strand). Cytogenetic location: 5q35.1.
Variant type: single nucleotide variant.
Coding change: c.4728+6G>T on transcript NM_004946.3 (MANE Select); 6 bases into the intron after coding-DNA position 4728, G replaced by T.
Molecular consequence: intron variant.
Genome position (GRCh38, 1-based): chr5:170,069,226, G>T. VCF-style: chr5-170069226-G-T. GRCh37 (hg19) VCF-style: chr5-169496230-G-T.
Identifiers: ClinVar variation 1017555 (VCV001017555.8), dbSNP rs945075735, ClinGen allele CA132019364.
Genomic context (GRCh38, chr5:170,069,226, plus strand): 5'-CCACCCTGAGGACCAGGACAAGCTGACCCACCTCAAGGACCTGATTGCATGGCAGGTGAG[G>T]CAGCGCTGGCCAGGGGAGCATGCTGCTCTCCTTCCTCTCCCCCCACCGTGGTTCACTTGC-3'

ClinVar aggregate classification (germline): Uncertain significance (1 of 4 stars; one submission).

Conditions:
DOCK2 deficiency. Also called: Immunodeficiency 40. Identifiers: Orphanet 447737, MedGen C4225328, MONDO:0014637, OMIM 616433.

Allele frequency attached by ClinVar (database versions not stated): gnomAD 0.00001; gnomAD exomes 0.00001 and 0.00002; TOPMed 0.00005.
gnomAD v4.1: 13 of 1,613,366 alleles (0.00081%); highest among the groups gnomAD compares: African/African-American, 0.015%; no homozygotes.

Submission:

Labcorp Genetics (formerly Invitae), Labcorp
Classification: Uncertain significance for DOCK2 deficiency. Last evaluated: 2020-02-07. Review status: criteria provided, single submitter. Criteria: Invitae Variant Classification Sherloc (09022015). Collection method: clinical testing. Allele origin: germline.
Comment: Nucleotide substitutions within the consensus splice site are a relatively common cause of aberrant splicing (PMID: 17576681, 9536098). Algorithms developed to predict the effect of sequence changes on RNA splicing suggest that this variant is not likely to affect RNA splicing, but this prediction has not been confirmed by published transcriptional studies. This variant has not been reported in the literature in individuals with DOCK2-related conditions. This variant is not present in population databases (ExAC no frequency). This sequence change falls in intron 46 of the DOCK2 gene. It does not directly change the encoded amino acid sequence of the DOCK2 protein, but it affects a nucleotide within the consensus splice site of the intron. In summary, the available evidence is currently insufficient to determine the role of this variant in disease. Therefore, it has been classified as a Variant of Uncertain Significance.

Literature cited by the submitters: PubMed 17576681; PubMed 9536098.